The following is an entry in ClinVar:

NM_000543.5(SMPD1):c.340G>A (p.Val114Met)

Gene: SMPD1 (sphingomyelin phosphodiesterase 1; plus strand). Cytogenetic location: 11p15.4.
Variant type: single nucleotide variant.
Coding change: c.340G>A on transcript NM_000543.5 (MANE Select); coding-DNA position 340, G replaced by A.
Protein change: p.Val114Met; replaces valine 114 with methionine.
Molecular consequence: missense variant. On other transcripts: 5 prime UTR variant (1), non-coding transcript variant (2).
Genome position (GRCh38, 1-based): chr11:6,391,405, G>A. VCF-style: chr11-6391405-G-A. GRCh37 (hg19) VCF-style: chr11-6412635-G-A.
Other names: c.337G>A, p.Val113Met (NM_001007593.3); c.340G>A, p.Val114Met (NM_001318087.2, NM_001365135.2); c.-622G>A (NM_001318088.2); short protein forms V114M, V113M.
Identifiers: ClinVar variation 281705 (VCV000281705.45), dbSNP rs142215226, ClinGen allele CA5852584.

ClinVar aggregate classification (germline): Uncertain significance. Review status: criteria provided, multiple submitters, no conflicts (2 of 4 stars). 20 submissions from 20 submitters: Uncertain significance (18). 2 of the submissions do not count toward it. Last evaluated 2026-05-12.

Conditions:
SMPD1-related disorder. Also called: SMPD1-related condition.
Acid sphingomyelinase deficiency. Identifiers: Orphanet 618899, MedGen C5243927, MONDO:0100464.
Inborn genetic diseases. Identifiers: MedGen C0950123, MeSH D030342.
Niemann-Pick disease, type A. Also called: Infantile Neurovisceral ASMD (Niemann-Pick Disease Type A; NPD-A); SPHINGOMYELIN LIPIDOSIS; SPHINGOMYELINASE DEFICIENCY. Identifiers: Orphanet 77292, MedGen C0268242, MONDO:0009756, OMIM 257200. Disease mechanism: loss of function.
Niemann-Pick disease, type B. Also called: Chronic Visceral ASMD (Niemann-Pick Disease Type B; NPD-B). Identifiers: Orphanet 77293, MedGen C0268243, MONDO:0011871, OMIM 607616. Disease mechanism: loss of function.
Sphingomyelin/cholesterol lipidosis. Also called: Niemann-Pick disease. Identifiers: MedGen C0028064, MONDO:0001982.

Allele frequency attached by ClinVar (database versions not stated): 1000 Genomes Project 0.00060; gnomAD 0.00061; TOPMed 0.00061; 1000 Genomes Project 30x 0.00062; ESP Exome Variant Server 0.00062; gnomAD exomes 0.00075; ExAC 0.00076.
gnomAD v4.1: 1,077 of 1,612,762 alleles (0.067%); highest among the groups gnomAD compares: Middle Eastern, 0.32%; no homozygotes.

Submissions 1 to 13 of 20:

Women's Health and Genetics/Laboratory Corporation of America, LabCorp
Classification: Uncertain significance. Last evaluated: 2026-05-12. Review status: criteria provided, single submitter. Criteria: LabCorp Variant Classification Summary - May 2015. Collection method: clinical testing. Allele origin: germline.
Comment: Variant summary: SMPD1 c.340G>A (p.Val114Met) results in a conservative amino acid change in the encoded protein sequence. Algorithms developed to predict the effect of missense changes on protein structure and function are either unavailable or do not agree on the potential impact of this missense change. The variant allele was found at a frequency of 0.00075 in 250390 control chromosomes. This frequency is not significantly higher than estimated for disease-causing variants in SMPD1, allowing no conclusion about variant significance. c.340G>A has been reported in the compound heterozygous state and an unknown state in individuals affected with Niemann-Pick Disease (Gucev_2013, Sheth_2024), however at least 1 of these studies did not have strong evidence for causality (Sheth_2024). These data indicate that the variant may be associated with disease. At least one publication reports experimental evidence evaluating an impact on protein function. The most pronounced variant effect results in >50%-90% of normal activity (Chew_2023). The following publications have been ascertained in the context of this evaluation (PMID: 22367733, 31941852, 39572736, 38730490). ClinVar contains an entry for this variant (Variation ID: 281705). Based on the evidence outlined above, the variant was classified as VUS-possibly pathogenic.

PreventionGenetics, part of Exact Sciences
Classification: Uncertain significance for SMPD1-related condition. Last evaluated: 2025-11-12. Review status: criteria provided, single submitter. Criteria: ACMG Guidelines, 2015. Collection method: clinical testing. Allele origin: germline.
Comment: The SMPD1 c.340G>A variant is predicted to result in the amino acid substitution p.Val114Met. This variant was reported in the compound heterozygous state in two siblings with Niemann-Pick Disease type B (Gucev et al. 2013. PubMed ID: 22367733). This variant was also reported in the homozygous state in an individual with hyperprolinaemia in which causative variants in SLC25A22 were detected (Reid et al. 2017. PubMed ID: 28255779). In this homozygous patient, leucocyte sphingomyelinase activity was 0.43 which was within normal limits, indicating this variant is less likely to be pathogenic (Reid et al. 2017. PubMed ID: 28255779). This variant was also reported in 3 patients with Parkinson's disease from a large cohort study (Alcalay et al. 2019. PubMed ID: 30788890). This variant is reported in 0.31% of alleles in individuals of Ashkenazi Jewish descent in gnomAD. Although we suspect this variant may be benign, at this time, the clinical significance of this variant is uncertain due to the absence of conclusive functional and genetic evidence.

Blueprint Genetics
Classification: Uncertain significance. Last evaluated: 2024-11-04. Review status: criteria provided, single submitter. Criteria: ACMG Guidelines, 2015. Collection method: clinical testing. Allele origin: germline.

Greenwood Genetic Center Diagnostic Laboratories, Greenwood Genetic Center
Classification: Uncertain significance. Last evaluated: 2023-09-22. Review status: criteria provided, single submitter. Criteria: ACMG Guidelines, 2015. Collection method: clinical testing. Allele origin: germline. Affected: yes.
Comment: PS3_Moderate

Mayo Clinic Laboratories, Mayo Clinic
Classification: Uncertain significance. Last evaluated: 2023-03-21. Review status: criteria provided, single submitter. Criteria: ACMG Guidelines, 2015. Collection method: clinical testing. Allele origin: germline. Observed: 1 variant allele.
Comment: PM2

Labcorp Genetics (formerly Invitae), Labcorp
Classification: Uncertain significance for Niemann-Pick disease, type B; Niemann-Pick disease, type A. Last evaluated: 2022-08-23. Review status: criteria provided, single submitter. Criteria: Invitae Variant Classification Sherloc (09022015). Collection method: clinical testing. Allele origin: germline.
Comment: This sequence change replaces valine, which is neutral and non-polar, with methionine, which is neutral and non-polar, at codon 114 of the SMPD1 protein (p.Val114Met). This variant is present in population databases (rs142215226, gnomAD 0.3%). This missense change has been observed in individual(s) with Niemann-Pick disease type B (PMID: 22367733). It has also been observed to segregate with disease in related individuals. This variant is also known as V112M. ClinVar contains an entry for this variant (Variation ID: 281705). Algorithms developed to predict the effect of missense changes on protein structure and function are either unavailable or do not agree on the potential impact of this missense change (SIFT: "Deleterious"; PolyPhen-2: "Benign"; Align-GVGD: "Class C0"). In summary, the available evidence is currently insufficient to determine the role of this variant in disease. Therefore, it has been classified as a Variant of Uncertain Significance.

Ambry Genetics
Classification: Uncertain significance for Inborn genetic diseases. Last evaluated: 2022-05-09. Review status: criteria provided, single submitter. Criteria: Ambry Variant Classification Scheme 2023. Collection method: clinical testing. Allele origin: germline.

Fulgent Genetics
Classification: Uncertain significance for Niemann-Pick disease, type A; Niemann-Pick disease, type B. Last evaluated: 2022-05-03. Review status: criteria provided, single submitter. Criteria: ACMG Guidelines, 2015. Collection method: clinical testing. Allele origin: unknown.

Institute for Clinical Genetics, University Hospital TU Dresden, University Hospital TU Dresden
Classification: Uncertain significance. Last evaluated: 2021-11-03. Review status: criteria provided, single submitter. Criteria: ACMG Guidelines, 2015. Collection method: clinical testing. Allele origin: germline.

Myriad Genetics, Inc.
Classification: Uncertain significance for Acid sphingomyelinase deficiency. Last evaluated: 2021-10-01. Review status: criteria provided, single submitter. Criteria: Myriad Autosomal Dominant, Autosomal Recessive and X-Linked Classification Criteria (2023). Collection method: clinical testing. Allele origin: unknown.
Comment: NM_000543.4(SMPD1):c.340G>A(V114M) is a missense variant classified as a variant of uncertain significance in the context of Niemann-Pick disease, SMPD1-related. V114M has been observed in cases with relevant disease (PMID: 22367733). Functional assessments of this variant are not available in the literature. V114M has been observed in population frequency databases (gnomAD: ASJ 0.31%). In summary, there is insufficient evidence to classify NM_000543.4(SMPD1):c.340G>A(V114M) as pathogenic or benign. Please note: this variant was assessed in the context of healthy population screening.

Revvity Omics, Revvity
Classification: Uncertain significance. Last evaluated: 2021-08-16. Review status: criteria provided, single submitter. Criteria: ACMG Guidelines, 2015. Collection method: clinical testing. Allele origin: germline.

Genome-Nilou Lab
Classification: Uncertain significance for Niemann-Pick disease, type A. Last evaluated: 2021-05-18. Review status: criteria provided, single submitter. Criteria: ACMG Guidelines, 2015. Collection method: clinical testing. Allele origin: germline. Affected: no.

New York Genome Center
Classification: Uncertain significance for Niemann-Pick disease, type A; Niemann-Pick disease, type B. Last evaluated: 2020-06-04. Review status: criteria provided, single submitter. Criteria: NYGC Assertion Criteria 2020. Collection method: clinical testing. Allele origin: germline. Observed: 1 heterozygote. Study: CSER-NYCKidSeq.